The following is an entry in ClinVar:

ClinVar aggregate classification (germline): Uncertain significance. Review status: criteria provided, multiple submitters, no conflicts (2 of 4 stars). 2 submissions from 2 submitters: Uncertain significance (2). Last evaluated 2025-09-07.

Conditions:
Hyperaldosteronism, familial, type IV (HALD4). Also called: FH IV; ALDOSTERONISM, PRIMARY, AND HYPERTENSION. Identifiers: Orphanet 642671, MedGen C4310756, MONDO:0014875, OMIM 617027.
Idiopathic generalized epilepsy. Also called: EIG; Generalised epilepsy. Identifiers: MedGen C0270850, MONDO:0005579, OMIM 600669.
Epilepsy, childhood absence, susceptibility to, 6. Identifiers: Orphanet 64280, MedGen C2749872, MONDO:0012763, OMIM 611942.

Allele frequency attached by ClinVar (database versions not stated): ExAC below 0.00001; gnomAD exomes 0.00002; TOPMed 0.00002; gnomAD 0.00003 and 0.00004; 1000 Genomes Project 0.00040; 1000 Genomes Project 30x 0.00094.
gnomAD v4.1: 38 of 1,585,636 alleles (0.0024%); highest among the groups gnomAD compares: Admixed American, 0.012%; no homozygotes.

Submissions (2):

Labcorp Genetics (formerly Invitae), Labcorp
Classification: Uncertain significance for Idiopathic generalized epilepsy; Hyperaldosteronism, familial, type IV. Last evaluated: 2025-09-07. Review status: criteria provided, single submitter. Criteria: Invitae Variant Classification Sherloc (09022015). Collection method: clinical testing. Allele origin: germline.
Comment: This sequence change replaces glycine, which is neutral and non-polar, with serine, which is neutral and polar, at codon 878 of the CACNA1H protein (p.Gly878Ser). The frequency data for this variant in the population databases is considered unreliable, as metrics indicate poor data quality at this position in the gnomAD database. This variant has not been reported in the literature in individuals affected with CACNA1H-related conditions. ClinVar contains an entry for this variant (Variation ID: 1034520). Invitae Evidence Modeling of protein sequence and biophysical properties (such as structural, functional, and spatial information, amino acid conservation, physicochemical variation, residue mobility, and thermodynamic stability) indicates that this missense variant is not expected to disrupt CACNA1H protein function with a negative predictive value of 80%. In summary, the available evidence is currently insufficient to determine the role of this variant in disease. Therefore, it has been classified as a Variant of Uncertain Significance.

Fulgent Genetics
Classification: Uncertain significance for Epilepsy, childhood absence, susceptibility to, 6; Hyperaldosteronism, familial, type IV. Last evaluated: 2024-01-11. Review status: criteria provided, single submitter. Criteria: ACMG Guidelines, 2015. Collection method: clinical testing. Allele origin: germline.

NM_021098.3(CACNA1H):c.2632G>A (p.Gly878Ser)

Gene: CACNA1H (calcium voltage-gated channel subunit alpha1 H; plus strand). Cytogenetic location: 16p13.3.
Variant type: single nucleotide variant.
Coding change: c.2632G>A on transcript NM_021098.3 (MANE Select); coding-DNA position 2632, G replaced by A.
Protein change: p.Gly878Ser; replaces glycine 878 with serine.
Molecular consequence: missense variant.
Genome position (GRCh38, 1-based): chr16:1,206,132, G>A. VCF-style: chr16-1206132-G-A. GRCh37 (hg19) VCF-style: chr16-1256132-G-A.
Other names: c.2632G>A, p.Gly878Ser (NM_001005407.2); short protein forms G878S.
Identifiers: ClinVar variation 1034520 (VCV001034520.11), dbSNP rs547294711, ClinGen allele CA7800393.
Genomic context (GRCh38, chr16:1,206,132, plus strand): 5'-CCCCGCTGACCCTCGCCCCCACCTGTCCGCAGCGTCTGGGAGATCGTGGGGCAGGCGGAC[G>A]GTGGCTTGTCTGTGCTGCGCACCTTCCGGCTGCTGCGTGTGCTGAAGCTGGTGCGCTTTC-3'
Protein context (NP_066921.2, residues 868-888): SVWEIVGQAD[Gly878Ser]GLSVLRTFRL